The following is an entry in ClinVar:

NM_000257.4(MYH7):c.5656-14C>T

Gene: MYH7 (myosin heavy chain 7; minus strand). Cytogenetic location: 14q11.2.
Variant type: single nucleotide variant.
Coding change: c.5656-14C>T on transcript NM_000257.4 (MANE Select); 14 bases into the intron before coding-DNA position 5656, C replaced by T.
Molecular consequence: intron variant.
Genome position (GRCh38, 1-based): chr14:23,413,907, G>A on the plus strand (C>T on the coding strand, the complement: MYH7 is on the minus strand). VCF-style: chr14-23413907-G-A. GRCh37 (hg19) VCF-style: chr14-23883116-G-A.
Other names: c.5656-14C>T (NM_001407004.1).
Identifiers: ClinVar variation 3071591 (VCV003071591.1), dbSNP rs1892074384, ClinGen allele CA2825002207.
Genomic context (GRCh38, chr14:23,413,907, plus strand): 5'-TGCTGCACCTTGCGGAACTTGGACAGGTTGGTGTTGGCTTGCTCCTCCTGCGGGAGGTGG[G>A]AGCATGAGGTGAGAGGGGGCCTGGGTTCTCAGACTCCTGGCTTGGGGGACGAGCTCTCCT-3'

ClinVar aggregate classification (germline): Likely benign (1 of 4 stars; one submission).

Conditions:
Cardiomyopathy (CMYO). Also called: Cardiomyopathies. Identifiers: Orphanet 167848, MedGen C0878544, MONDO:0004994, HP:0001638. Inheritance: Various modes of inheritance.

Submission:

All of Us Research Program, National Institutes of Health
Classification: Likely benign for Cardiomyopathy. Last evaluated: 2023-06-08. Review status: criteria provided, single submitter. Criteria: ACMG Guidelines, 2015. Collection method: clinical testing. Allele origin: germline. Inheritance: Autosomal dominant inheritance. Observed: 1 variant allele, 1 heterozygote.
Comment: This study involves interpretation of variants in research participants for the purpose of population health screening. Participant phenotype was not available at the time of variant classification. Additional details can be found in publication PMID: 35346344, PMCID: PMC8962531